The following is an entry in ClinVar:

NM_001164277.2(SLC37A4):c.1125-3C>A

Gene: SLC37A4 (solute carrier family 37 member 4; minus strand). Cytogenetic location: 11q23.3.
Variant type: single nucleotide variant.
Coding change: c.1125-3C>A on transcript NM_001164277.2 (MANE Select); 3 bases into the intron before coding-DNA position 1125, C replaced by A.
Molecular consequence: intron variant.
Genome position (GRCh38, 1-based): chr11:119,025,079, G>T on the plus strand (C>A on the coding strand, the complement: SLC37A4 is on the minus strand). VCF-style: chr11-119025079-G-T. GRCh37 (hg19) VCF-style: chr11-118895789-G-T.
Other names: c.906-3C>A (NM_001164279.2); c.1125-3C>A (NM_001467.6, NM_001164280.2); c.1191-3C>A (NM_001164278.2).
Identifiers: ClinVar variation 2051170 (VCV002051170.3), dbSNP rs1731971590, ClinGen allele CA2003748329.

ClinVar aggregate classification (germline): Uncertain significance (1 of 4 stars; one submission).

Conditions:
Glucose-6-phosphate transport defect (GSD1B). Also called: GSD Ib; Glycogen Storage Disease Type Ib. Identifiers: Orphanet 364, Orphanet 79259, MedGen C0268146, MONDO:0009288, OMIM 232220.

Submission:

Labcorp Genetics (formerly Invitae), Labcorp
Classification: Uncertain significance for Glucose-6-phosphate transport defect. Last evaluated: 2024-10-22. Review status: criteria provided, single submitter. Criteria: Invitae Variant Classification Sherloc (09022015). Collection method: clinical testing. Allele origin: germline.
Comment: This sequence change falls in intron 9 of the SLC37A4 gene. It does not directly change the encoded amino acid sequence of the SLC37A4 protein. It affects a nucleotide within the consensus splice site. This variant is not present in population databases (gnomAD no frequency). This variant has not been reported in the literature in individuals affected with SLC37A4-related conditions. ClinVar contains an entry for this variant (Variation ID: 2051170). Variants that disrupt the consensus splice site are a relatively common cause of aberrant splicing (PMID: 17576681, 9536098). Algorithms developed to predict the effect of sequence changes on RNA splicing suggest that this variant may disrupt the consensus splice site. In summary, the available evidence is currently insufficient to determine the role of this variant in disease. Therefore, it has been classified as a Variant of Uncertain Significance.

Literature cited by the submitters: PubMed 17576681; PubMed 9536098.